The following is an entry in ClinVar:

NM_018941.4(CLN8):c.763C>G (p.Gln255Glu)

Gene: CLN8 (CLN8 transmembrane ER and ERGIC protein; plus strand). Cytogenetic location: 8p23.3.
Variant type: single nucleotide variant.
Coding change: c.763C>G on transcript NM_018941.4 (MANE Select); coding-DNA position 763, C replaced by G.
Protein change: p.Gln255Glu; replaces glutamine 255 with glutamic acid.
Molecular consequence: missense variant.
Genome position (GRCh38, 1-based): chr8:1,780,469, C>G. VCF-style: chr8-1780469-C-G. GRCh37 (hg19) VCF-style: chr8-1728635-C-G.
Other names: short protein forms Q255E.
Identifiers: ClinVar variation 1415007 (VCV001415007.9), dbSNP rs746397087, ClinGen allele CA369954274.

ClinVar aggregate classification (germline): Uncertain significance (1 of 4 stars; one submission).

Conditions:
Neuronal ceroid lipofuscinosis. Also called: Neuronal Ceroid Lipofuscinoses. Identifiers: Orphanet 216, Orphanet 79263, MedGen C0027877, MONDO:0016295. Disease mechanism: loss of function.

Submission:

Labcorp Genetics (formerly Invitae), Labcorp
Classification: Uncertain significance for Neuronal ceroid lipofuscinosis. Last evaluated: 2021-03-25. Review status: criteria provided, single submitter. Criteria: Invitae Variant Classification Sherloc (09022015). Collection method: clinical testing. Allele origin: germline.
Comment: In summary, the available evidence is currently insufficient to determine the role of this variant in disease. Therefore, it has been classified as a Variant of Uncertain Significance. Algorithms developed to predict the effect of missense changes on protein structure and function (SIFT, PolyPhen-2, Align-GVGD) all suggest that this variant is likely to be tolerated, but these predictions have not been confirmed by published functional studies and their clinical significance is uncertain. This variant has not been reported in the literature in individuals with CLN8-related conditions. This variant is not present in population databases (ExAC no frequency). This sequence change replaces glutamine with glutamic acid at codon 255 of the CLN8 protein (p.Gln255Glu). The glutamine residue is highly conserved and there is a small physicochemical difference between glutamine and glutamic acid.